The following is an entry in ClinVar:

ClinVar aggregate classification (germline): Likely benign. Review status: criteria provided, multiple submitters, no conflicts (2 of 4 stars). 3 submissions from 3 submitters: Likely benign (3). Last evaluated 2025-09-10.

Conditions:
Hyperaldosteronism, familial, type IV (HALD4). Also called: FH IV; ALDOSTERONISM, PRIMARY, AND HYPERTENSION. Identifiers: Orphanet 642671, MedGen C4310756, MONDO:0014875, OMIM 617027.
Idiopathic generalized epilepsy. Also called: EIG; Generalised epilepsy. Identifiers: MedGen C0270850, MONDO:0005579, OMIM 600669.

Allele frequency attached by ClinVar (database versions not stated): gnomAD 0.00001; TOPMed 0.00001; gnomAD exomes 0.00003 and 0.00006; ExAC 0.00009; 1000 Genomes Project 30x 0.00016; 1000 Genomes Project 0.00020.
gnomAD v4.1: 44 of 1,605,486 alleles (0.0027%); highest among the groups gnomAD compares: South Asian, 0.041%; no homozygotes.

Submissions (3):

Labcorp Genetics (formerly Invitae), Labcorp
Classification: Likely benign for Idiopathic generalized epilepsy; Hyperaldosteronism, familial, type IV. Last evaluated: 2025-09-10. Review status: criteria provided, single submitter. Criteria: Invitae Variant Classification Sherloc (09022015). Collection method: clinical testing. Allele origin: germline.

CeGaT Center for Human Genetics Tuebingen
Classification: Likely benign. Last evaluated: 2023-06-01. Review status: criteria provided, single submitter. Criteria: CeGaT Center For Human Genetics Tuebingen Variant Classification Criteria Version 2. Collection method: clinical testing. Allele origin: germline. Affected: yes. Observed: 1 variant allele.
Comment: CACNA1H: BP4, BP7

Blueprint Genetics
Classification: Likely benign. Last evaluated: 2020-08-13. Review status: criteria provided, single submitter. Criteria: ACMG Guidelines, 2015. Collection method: clinical testing. Allele origin: germline.

NM_021098.3(CACNA1H):c.5373C>T (p.Phe1791=)

Gene: CACNA1H (calcium voltage-gated channel subunit alpha1 H; plus strand). Cytogenetic location: 16p13.3.
Variant type: single nucleotide variant.
Coding change: c.5373C>T on transcript NM_021098.3 (MANE Select); coding-DNA position 5373, C replaced by T.
Protein change: p.Phe1791=; no amino-acid change (phenylalanine 1791 retained).
Molecular consequence: synonymous variant.
Genome position (GRCh38, 1-based): chr16:1,217,968, C>T. VCF-style: chr16-1217968-C-T. GRCh37 (hg19) VCF-style: chr16-1267968-C-T.
Other names: c.5355C>T, p.Phe1785= (NM_001005407.2).
Identifiers: ClinVar variation 1146877 (VCV001146877.33), dbSNP rs534503991, ClinGen allele CA7801984.